The following is an entry in ClinVar:

ClinVar aggregate classification (germline): Pathogenic (1 of 4 stars; one submission).

Conditions:
Hereditary breast ovarian cancer syndrome. Also called: Hereditary breast and ovarian cancer syndrome; Hereditary breast and/or ovarian cancer syndrome; Hereditary breast and ovarian cancer; Hereditary breast and ovarian cancer syndrome (HBOC); BRCA1- and BRCA2-Associated Hereditary Breast and Ovarian Cancer; Breast and ovarian cancer. Identifiers: Orphanet 145, MedGen C0677776, MeSH D061325, MONDO:0003582. Disease mechanism: loss of function.

Submission:

Women's Health and Genetics/Laboratory Corporation of America, LabCorp
Classification: Pathogenic for Hereditary breast ovarian cancer syndrome. Last evaluated: 2025-04-09. Review status: criteria provided, single submitter. Criteria: LabCorp Variant Classification Summary - May 2015. Collection method: clinical testing. Allele origin: germline.
Comment: Variant summary: The variant involves the deletion of exons 5-7 in the BRCA2 gene. A presumed nomenclature of c.(425+1_426-1)_(631+1_632-1)del has been designated for the purposes of this classification. This Copy Number Variant (CNV) is expected to alter the reading frame and predicted to result in a truncation or absence of the encoded protein due to nonsense mediated decay (NMD). The variant was absent in 21694 control chromosomes. c.(425+1_426-1)_(631+1_632-1)del has been reported in the literature in at-least one female affected with early-onset breast cancer (example: Kansuttiviwat_2024). To our knowledge, no experimental evidence demonstrating an impact on protein function has been reported. The following publication have been ascertained in the context of this evaluation (PMID: 38355628). ClinVar contains an entry for this variant (Variation ID: 662284). Based on the evidence outlined above, the variant was classified as pathogenic.

Literature cited by the submitters: PubMed 38355628.

NC_000013.10:g.(32899322_32900237)_(32900751_32903579)del

Gene: BRCA2 (BRCA2 DNA repair associated; plus strand). Cytogenetic location: 13q13.1.
Variant type: Deletion.
Identifiers: ClinVar variation 3896363 (VCV003896363.2).